The following is an entry in ClinVar:

NM_012073.5(CCT5):c.1336T>C (p.Tyr446His)

Gene: CCT5 (chaperonin containing TCP1 subunit 5; plus strand). Cytogenetic location: 5p15.2.
Variant type: single nucleotide variant.
Coding change: c.1336T>C on transcript NM_012073.5 (MANE Select); coding-DNA position 1336, T replaced by C.
Protein change: p.Tyr446His; replaces tyrosine 446 with histidine.
Molecular consequence: missense variant.
Genome position (GRCh38, 1-based): chr5:10,263,152, T>C. VCF-style: chr5-10263152-T-C. GRCh37 (hg19) VCF-style: chr5-10263264-T-C.
Other names: c.1273T>C, p.Tyr425His (NM_001306153.1); c.1171T>C, p.Tyr391His (NM_001306154.2); c.1057T>C, p.Tyr353His (NM_001306155.2); c.1222T>C, p.Tyr408His (NM_001306156.2); short protein forms Y446H, Y353H, Y391H, Y408H, Y425H.
Identifiers: ClinVar variation 465407 (VCV000465407.8), dbSNP rs1554011822, ClinGen allele CA359186084.

ClinVar aggregate classification (germline): Uncertain significance (1 of 4 stars; one submission).

Conditions:
Hereditary sensory and autonomic neuropathy with spastic paraplegia (HSNSP). Identifiers: Orphanet 139578, MedGen C1850395, MONDO:0009748, OMIM 256840.

Allele frequency attached by ClinVar (database versions not stated): gnomAD exomes below 0.00001.
gnomAD v4.1: 3 of 1,614,222 alleles (0.00019%); highest among the groups gnomAD compares: Non-Finnish European, 0.00025%; no homozygotes.

Submission:

Labcorp Genetics (formerly Invitae), Labcorp
Classification: Uncertain significance for Hereditary sensory and autonomic neuropathy with spastic paraplegia. Last evaluated: 2024-08-06. Review status: criteria provided, single submitter. Criteria: Invitae Variant Classification Sherloc (09022015). Collection method: clinical testing. Allele origin: germline.
Comment: This sequence change replaces tyrosine, which is neutral and polar, with histidine, which is basic and polar, at codon 446 of the CCT5 protein (p.Tyr446His). This variant is not present in population databases (gnomAD no frequency). This variant has not been reported in the literature in individuals affected with CCT5-related conditions. ClinVar contains an entry for this variant (Variation ID: 465407). Advanced modeling of protein sequence and biophysical properties (such as structural, functional, and spatial information, amino acid conservation, physicochemical variation, residue mobility, and thermodynamic stability) performed at Invitae indicates that this missense variant is not expected to disrupt CCT5 protein function with a negative predictive value of 80%. In summary, the available evidence is currently insufficient to determine the role of this variant in disease. Therefore, it has been classified as a Variant of Uncertain Significance.